The following is an entry in ClinVar:

ClinVar aggregate classification (germline): Uncertain significance (1 of 4 stars; one submission).

Conditions:
Combined oxidative phosphorylation defect type 14. Also called: Combined oxidative phosphorylation deficiency 14. Identifiers: Orphanet 319519, MedGen C4755312, MONDO:0013986, OMIM 614946.

gnomAD v4.1: 2 of 1,614,176 alleles (0.00012%); highest among the groups gnomAD compares: African/African-American, 0.0027%; no homozygotes.

Submission:

Labcorp Genetics (formerly Invitae), Labcorp
Classification: Uncertain significance for Combined oxidative phosphorylation defect type 14. Last evaluated: 2025-11-09. Review status: criteria provided, single submitter. Criteria: Invitae Variant Classification Sherloc (09022015). Collection method: clinical testing. Allele origin: germline.
Comment: This sequence change replaces tryptophan, which is neutral and slightly polar, with cysteine, which is neutral and slightly polar, at codon 87 of the FARS2 protein (p.Trp87Cys). This variant is not present in population databases (gnomAD no frequency). This variant has not been reported in the literature in individuals affected with FARS2-related conditions. ClinVar contains an entry for this variant (Variation ID: 2190012). Invitae Evidence Modeling of protein sequence and biophysical properties (such as structural, functional, and spatial information, amino acid conservation, physicochemical variation, residue mobility, and thermodynamic stability) indicates that this missense variant is not expected to disrupt FARS2 protein function with a negative predictive value of 80%. In summary, the available evidence is currently insufficient to determine the role of this variant in disease. Therefore, it has been classified as a Variant of Uncertain Significance.

NM_006567.5(FARS2):c.261G>C (p.Trp87Cys)

Genes: FARS2 (phenylalanyl-tRNA synthetase 2, mitochondrial; plus strand), LOC126859565 (CDK7 strongly-dependent group 2 enhancer GRCh37_chr6:5368745-5369944; plus strand). Cytogenetic location: 6p25.1.
Variant type: single nucleotide variant.
Coding change: c.261G>C on transcript NM_006567.5 (MANE Select); coding-DNA position 261, G replaced by C.
Protein change: p.Trp87Cys; replaces tryptophan 87 with cysteine.
Molecular consequence: missense variant. On other transcripts: intron variant (2).
Genome position (GRCh38, 1-based): chr6:5,368,831, G>C. VCF-style: chr6-5368831-G-C. GRCh37 (hg19) VCF-style: chr6-5369064-G-C.
Other names: c.261G>C, p.Trp87Cys (NM_001318872.2, NM_001374875.1, NM_001374876.1 and 5 more transcripts); c.-340-27802G>C (NM_001375260.1); c.-84-35711G>C (NM_001375259.1); short protein forms W87C.
Identifiers: ClinVar variation 2190012 (VCV002190012.3), dbSNP rs1229314240, ClinGen allele CA362734897.